The following is an entry in ClinVar:

ClinVar aggregate classification (germline): Uncertain significance (1 of 4 stars; one submission).

Conditions:
Cystic fibrosis (CF). Also called: MUCOVISCIDOSIS. Identifiers: Orphanet 586, MedGen C0010674, MONDO:0009061, OMIM 219700. Disease mechanism: loss of function.

gnomAD v4.1: 1 of 1,613,722 alleles (0.000062%); no homozygotes.

Submission:

Ambry Genetics
Classification: Uncertain significance for Cystic fibrosis. Last evaluated: 2025-06-09. Review status: criteria provided, single submitter. Criteria: Ambry Variant Classification Scheme 2023. Collection method: clinical testing. Allele origin: germline.
Comment: The p.H147N variant (also known as c.439C>A), located in coding exon 4 of the CFTR gene, results from a C to A substitution at nucleotide position 439. The histidine at codon 147 is replaced by asparagine, an amino acid with similar properties. This amino acid position is conserved. In addition, the in silico prediction for this alteration is inconclusive. Based on the available evidence, the clinical significance of this variant remains unclear.

NM_000492.4(CFTR):c.439C>A (p.His147Asn)

Gene: CFTR (CF transmembrane conductance regulator; plus strand). Cytogenetic location: 7q31.2.
Variant type: single nucleotide variant.
Coding change: c.439C>A on transcript NM_000492.4 (MANE Select); coding-DNA position 439, C replaced by A.
Protein change: p.His147Asn; replaces histidine 147 with asparagine.
Molecular consequence: missense variant.
Genome position (GRCh38, 1-based): chr7:117,531,064, C>A. VCF-style: chr7-117531064-C-A. GRCh37 (hg19) VCF-style: chr7-117171118-C-A.
Other names: short protein forms H147N.
Identifiers: ClinVar variation 4001890 (VCV004001890.1).
Genomic context (GRCh38, chr7:117,531,064, plus strand): 5'-TTATGCCTTCTCTTTATTGTGAGGACACTGCTCCTACACCCAGCCATTTTTGGCCTTCAT[C>A]ACATTGGAATGCAGATGAGAATAGCTATGTTTAGTTTGATTTATAAGAAGGTAATACTTC-3'
Protein context (NP_000483.3, residues 137-157): LLHPAIFGLH[His147Asn]IGMQMRIAMF